The following is an entry in ClinVar:

ClinVar aggregate classification (germline): Uncertain significance (1 of 4 stars; one submission).

Submission:

CeGaT Center for Human Genetics Tuebingen
Classification: Uncertain significance. Last evaluated: 2026-04-01. Review status: criteria provided, single submitter. Criteria: CeGaT Center For Human Genetics Tuebingen Variant Classification Criteria Version 2. Collection method: clinical testing. Allele origin: germline. Affected: yes. Observed: 1 variant allele.
Comment: PRKRA: PM2

NM_003690.5(PRKRA):c.44G>A (p.Arg15His)

Gene: PRKRA (protein activator of interferon induced protein kinase EIF2AK2; minus strand). Cytogenetic location: 2q31.2.
Variant type: single nucleotide variant.
Coding change: c.44G>A on transcript NM_003690.5 (MANE Select); coding-DNA position 44, G replaced by A.
Protein change: p.Arg15His; replaces arginine 15 with histidine.
Molecular consequence: missense variant. On other transcripts: 5 prime UTR variant (1).
Genome position (GRCh38, 1-based): chr2:178,450,987, C>T on the plus strand (G>A on the coding strand, the complement: PRKRA is on the minus strand). VCF-style: chr2-178450987-C-T. GRCh37 (hg19) VCF-style: chr2-179315714-C-T.
Other names: c.-406G>A (NM_001316362.2); short protein forms R15H.
Identifiers: ClinVar variation 4873635 (VCV004873635.2).
Genomic context (GRCh38, chr2:178,450,987, plus strand): 5'-CGCTCCCGGCCCTGGGGCCCTGACTGCCCGCACGCTGACCTGAAGGTCCCACTGTCCTCG[C>T]GCTCCAGCGGCGGGGCCTCGGCGCGGTGCCTGCTCTGGGACATGGCGAGAAGGGACGGCT-3'
Protein context (NP_003681.1, residues 5-25): RHRAEAPPLE[Arg15His]EDSGTFSLGK